The following is an entry in ClinVar:

ClinVar aggregate classification (germline): Uncertain significance. Review status: criteria provided, multiple submitters, no conflicts (2 of 4 stars). 3 submissions from 3 submitters: Uncertain significance (3). Last evaluated 2026-05-14.

Conditions:
Hereditary cancer-predisposing syndrome. Also called: Hereditary neoplastic syndrome; Neoplastic Syndromes, Hereditary; Tumor predisposition; Hereditary Cancer Syndrome. Identifiers: Orphanet 140162, MedGen C0027672, MeSH D009386, MONDO:0015356.
Oligodontia-cancer predisposition syndrome. Also called: TOOTH AGENESIS-COLORECTAL CANCER SYNDROME. Identifiers: Orphanet 300576, MedGen C1837750, MONDO:0012075, OMIM 608615. Disease mechanism: loss of function.

Allele frequency attached by ClinVar (database versions not stated): gnomAD exomes below 0.00001.
gnomAD v4.1: 1 of 1,558,036 alleles (0.000064%); highest among the groups gnomAD compares: Non-Finnish European, 0.000087%; no homozygotes.

Submissions (3):

Ambry Genetics
Classification: Uncertain significance for Hereditary cancer-predisposing syndrome. Last evaluated: 2026-05-14. Review status: criteria provided, single submitter. Criteria: Ambry Variant Classification Scheme 2023. Collection method: clinical testing. Allele origin: germline.
Comment: The p.S454F variant (also known as c.1361C>T), located in coding exon 5 of the AXIN2 gene, results from a C to T substitution at nucleotide position 1361. The serine at codon 454 is replaced by phenylalanine, an amino acid with highly dissimilar properties. This amino acid position is conserved. In addition, this alteration is predicted to be deleterious by in silico analysis. Based on the available evidence, the clinical significance of this variant remains unclear.

GeneDx
Classification: Uncertain significance. Last evaluated: 2023-03-28. Review status: criteria provided, single submitter. Criteria: GeneDx Variant Classification Process June 2021. Collection method: clinical testing. Allele origin: germline. Affected: yes.
Comment: Not observed at significant frequency in large population cohorts (gnomAD); In silico analysis supports that this missense variant has a deleterious effect on protein structure/function; Has not been previously published as pathogenic or benign to our knowledge; This variant is associated with the following publications: (PMID: 15735151)

Labcorp Genetics (formerly Invitae), Labcorp
Classification: Uncertain significance for Oligodontia-cancer predisposition syndrome. Last evaluated: 2020-08-20. Review status: criteria provided, single submitter. Criteria: Invitae Variant Classification Sherloc (09022015). Collection method: clinical testing. Allele origin: germline.
Comment: This sequence change replaces serine with phenylalanine at codon 454 of the AXIN2 protein (p.Ser454Phe). The serine residue is highly conserved and there is a large physicochemical difference between serine and phenylalanine. This variant is not present in population databases (ExAC no frequency). This variant has not been reported in the literature in individuals with AXIN2-related conditions. Algorithms developed to predict the effect of missense changes on protein structure and function (SIFT, PolyPhen-2, Align-GVGD) all suggest that this variant is likely to be disruptive, but these predictions have not been confirmed by published functional studies and their clinical significance is uncertain. In summary, the available evidence is currently insufficient to determine the role of this variant in disease. Therefore, it has been classified as a Variant of Uncertain Significance.

NM_004655.4(AXIN2):c.1361C>T (p.Ser454Phe)

Gene: AXIN2 (axin 2; minus strand). Cytogenetic location: 17q24.1.
Variant type: single nucleotide variant.
Coding change: c.1361C>T on transcript NM_004655.4 (MANE Select); coding-DNA position 1361, C replaced by T.
Protein change: p.Ser454Phe; replaces serine 454 with phenylalanine.
Molecular consequence: missense variant.
Genome position (GRCh38, 1-based): chr17:65,537,675, G>A on the plus strand (C>T on the coding strand, the complement: AXIN2 is on the minus strand). VCF-style: chr17-65537675-G-A. GRCh37 (hg19) VCF-style: chr17-63533793-G-A.
Other names: c.1361C>T, p.Ser454Phe (NM_001363813.1); c.1361C>T (NM_004655.3); short protein forms S454F.
Identifiers: ClinVar variation 1053935 (VCV001053935.10), dbSNP rs2144465052, ClinGen allele CA400677648.